The following is an entry in ClinVar:

ClinVar aggregate classification (germline): Uncertain significance (1 of 4 stars; one submission).

Submission:

Labcorp Genetics (formerly Invitae), Labcorp
Classification: Uncertain significance. Last evaluated: 2025-06-12. Review status: criteria provided, single submitter. Criteria: Invitae Variant Classification Sherloc (09022015). Collection method: clinical testing. Allele origin: germline.
Comment: This sequence change replaces leucine, which is neutral and non-polar, with phenylalanine, which is neutral and non-polar, at codon 20 of the FBLN1 protein (p.Leu20Phe). This variant is not present in population databases (gnomAD no frequency). This variant has not been reported in the literature in individuals affected with FBLN1-related conditions. ClinVar contains an entry for this variant (Variation ID: 2976052). An algorithm developed to predict the effect of missense changes on protein structure and function outputs the following: PolyPhen-2: "Not Available". The phenylalanine amino acid residue is found in multiple mammalian species, which suggests that this missense change does not adversely affect protein function. In summary, the available evidence is currently insufficient to determine the role of this variant in disease. Therefore, it has been classified as a Variant of Uncertain Significance.

NM_006486.3(FBLN1):c.58C>T (p.Leu20Phe)

Gene: FBLN1 (fibulin 1; plus strand). Cytogenetic location: 22q13.31.
Variant type: single nucleotide variant.
Coding change: c.58C>T on transcript NM_006486.3 (MANE Select); coding-DNA position 58, C replaced by T.
Protein change: p.Leu20Phe; replaces leucine 20 with phenylalanine.
Molecular consequence: missense variant.
Genome position (GRCh38, 1-based): chr22:45,503,043, C>T. VCF-style: chr22-45503043-C-T. GRCh37 (hg19) VCF-style: chr22-45898923-C-T.
Other names: c.58C>T, p.Leu20Phe (NM_001996.4, NM_006485.4, NM_006487.3); short protein forms L20F.
Identifiers: ClinVar variation 2976052 (VCV002976052.3), dbSNP rs1434686879, ClinGen allele CA411886484.